The following is an entry in ClinVar:

ClinVar aggregate classification (germline): Uncertain significance (1 of 4 stars; one submission).

Conditions:
Oligodontia-cancer predisposition syndrome. Also called: TOOTH AGENESIS-COLORECTAL CANCER SYNDROME. Identifiers: Orphanet 300576, MedGen C1837750, MONDO:0012075, OMIM 608615. Disease mechanism: loss of function.

Submission:

Labcorp Genetics (formerly Invitae), Labcorp
Classification: Uncertain significance for Oligodontia-cancer predisposition syndrome. Last evaluated: 2025-01-27. Review status: criteria provided, single submitter. Criteria: Invitae Variant Classification Sherloc (09022015). Collection method: clinical testing. Allele origin: germline.
Comment: This sequence change replaces leucine, which is neutral and non-polar, with histidine, which is basic and polar, at codon 10 of the AXIN2 protein (p.Leu10His). This variant is not present in population databases (gnomAD no frequency). This variant has not been reported in the literature in individuals affected with AXIN2-related conditions. An algorithm developed to predict the effect of missense changes on protein structure and function (PolyPhen-2) suggests that this variant is likely to be disruptive. In summary, the available evidence is currently insufficient to determine the role of this variant in disease. Therefore, it has been classified as a Variant of Uncertain Significance.

NM_004655.4(AXIN2):c.29T>A (p.Leu10His)

Gene: AXIN2 (axin 2; minus strand). Cytogenetic location: 17q24.1.
Variant type: single nucleotide variant.
Coding change: c.29T>A on transcript NM_004655.4 (MANE Select); coding-DNA position 29, T replaced by A.
Protein change: p.Leu10His; replaces leucine 10 with histidine.
Molecular consequence: missense variant.
Genome position (GRCh38, 1-based): chr17:65,558,592, A>T on the plus strand (T>A on the coding strand, the complement: AXIN2 is on the minus strand). VCF-style: chr17-65558592-A-T. GRCh37 (hg19) VCF-style: chr17-63554710-A-T.
Other names: c.29T>A, p.Leu10His (NM_001363813.1); short protein forms L10H.
Identifiers: ClinVar variation 4711913 (VCV004711913.1).
Genomic context (GRCh38, chr17:65,558,592, plus strand): 5'-TCTTCCCCTGGCACTGGGGGCCGCGGGGCATCCTCACGGAAGCTGCTGCTGGGGTCCGGG[A>T]GGCAAGTCACCAACATAGCGCTACTCATGGTGAGGGAGCTCTTCCCACTGAGTCTGGGAA-3'
Protein context (NP_004646.3, residues 1-20): MSSAMLVTC[Leu10His]PDPSSSFRED